The following is an entry in ClinVar:

ClinVar aggregate classification (germline): Conflicting classifications of pathogenicity. Review status: criteria provided, conflicting classifications (1 of 4 stars). 6 submissions from 6 submitters: Uncertain significance (4); Likely benign (1). 1 of the submissions does not count toward it. Last evaluated 2026-01-21.

Conditions:
Cardiovascular phenotype. Identifiers: MedGen CN230736.
TMEM43-related disorder. Also called: TMEM43-related condition.
Cardiomyopathy (CMYO). Also called: Cardiomyopathies. Identifiers: Orphanet 167848, MedGen C0878544, MONDO:0004994, HP:0001638. Inheritance: Various modes of inheritance.
Arrhythmogenic right ventricular dysplasia 5. Also called: ARRHYTHMOGENIC RIGHT VENTRICULAR DYSPLASIA, FAMILIAL, 5; Arrhythmogenic Right Ventricular Dysplasia/Cardiomyopathy 5. Identifiers: MedGen C1858379, MONDO:0011459, OMIM 604400.

Allele frequency attached by ClinVar (database versions not stated): gnomAD 0.00001; TOPMed 0.00001; gnomAD exomes 0.00006.
gnomAD v4.1: 83 of 1,614,046 alleles (0.0051%); highest among the groups gnomAD compares: South Asian, 0.0066%; no homozygotes.

Submissions (6):

Labcorp Genetics (formerly Invitae), Labcorp
Classification: Uncertain significance for Arrhythmogenic right ventricular dysplasia 5. Last evaluated: 2026-01-21. Review status: criteria provided, single submitter. Criteria: Invitae Variant Classification Sherloc (09022015). Collection method: clinical testing. Allele origin: germline.
Comment: This sequence change replaces arginine, which is basic and polar, with histidine, which is basic and polar, at codon 220 of the TMEM43 protein (p.Arg220His). This variant is present in population databases (rs570836197, gnomAD 0.006%). This missense change has been observed in individual(s) with clinical features of TMEM43-related conditions (PMID: 32880476). ClinVar contains an entry for this variant (Variation ID: 202117). Invitae Evidence Modeling of protein sequence and biophysical properties (such as structural, functional, and spatial information, amino acid conservation, physicochemical variation, residue mobility, and thermodynamic stability) indicates that this missense variant is not expected to disrupt TMEM43 protein function with a negative predictive value of 80%. In summary, the available evidence is currently insufficient to determine the role of this variant in disease. Therefore, it has been classified as a Variant of Uncertain Significance.

Ambry Genetics
Classification: Likely benign for Cardiovascular phenotype. Last evaluated: 2024-10-30. Review status: criteria provided, single submitter. Criteria: Ambry Variant Classification Scheme 2023. Collection method: clinical testing. Allele origin: germline.

All of Us Research Program, National Institutes of Health
Classification: Uncertain significance for Arrhythmogenic right ventricular dysplasia 5. Last evaluated: 2024-09-23. Review status: criteria provided, single submitter. Criteria: ACMG Guidelines, 2015. Collection method: clinical testing. Allele origin: germline. Inheritance: Autosomal dominant inheritance. Observed: 9 variant alleles, 9 heterozygotes.
Comment: This missense variant replaces arginine with histidine at codon 220 of the TMEM43 protein. Computational prediction suggests that this variant may not impact protein structure and function (internally defined REVEL score threshold <= 0.5, PMID: 27666373). To our knowledge, functional studies have not been reported for this variant. This variant has not been reported in individuals affected with cardiovascular disorders in the literature. This variant has been identified in 10/282658 chromosomes in the general population by the Genome Aggregation Database (gnomAD). The available evidence is insufficient to determine the role of this variant in disease conclusively. Therefore, this variant is classified as a Variant of Uncertain Significance.

This study involves interpretation of variants in research participants for the purpose of population health screening. Participant phenotype was not available at the time of variant classification. Additional details can be found in publication PMID: 35346344, PMCID: PMC8962531

Color Diagnostics, LLC DBA Color Health
Classification: Uncertain significance for Cardiomyopathy. Last evaluated: 2024-07-26. Review status: criteria provided, single submitter. Criteria: ACMG Guidelines, 2015. Collection method: clinical testing. Allele origin: germline.
Comment: This missense variant replaces arginine with histidine at codon 220 of the TMEM43 protein. Computational prediction suggests that this variant may not impact protein structure and function. To our knowledge, functional studies have not been reported for this variant. This variant has not been reported in individuals affected with cardiovascular disorders in the literature. This variant has been identified in 10/282658 chromosomes in the general population by the Genome Aggregation Database (gnomAD). The available evidence is insufficient to determine the role of this variant in disease conclusively. Therefore, this variant is classified as a Variant of Uncertain Significance.

GeneDx
Classification: Uncertain significance. Last evaluated: 2020-08-11. Review status: criteria provided, single submitter. Criteria: GeneDx Variant Classification Process June 2021. Collection method: clinical testing. Allele origin: germline. Affected: yes.
Comment: In silico analysis supports that this missense variant does not alter protein structure/function; Has not been previously published as pathogenic or benign to our knowledge; This variant is associated with the following publications: (PMID: 32880476)

PreventionGenetics, part of Exact Sciences
Classification: Uncertain significance for TMEM43-related condition. Last evaluated: 2023-11-16. Review status: no assertion criteria provided. Collection method: clinical testing. Allele origin: germline. Not counted in ClinVar's aggregate classification.
Comment: The TMEM43 c.659G>A variant is predicted to result in the amino acid substitution p.Arg220His. This variant was reported as uncertain significance in an individual with dilated cardiomyopathy (Table S4, Verdonschot et al. 2020. PubMed ID: 32880476). This variant is reported in 0.0065% of alleles in individuals of South Asian in gnomAD. At this time, the clinical significance of this variant is uncertain.

Literature cited by the submitters: PubMed 32880476 (cited by Labcorp Genetics (formerly Invitae), Labcorp).

NM_024334.3(TMEM43):c.659G>A (p.Arg220His)

Gene: TMEM43 (transmembrane protein 43; plus strand). Cytogenetic location: 3p25.1.
Variant type: single nucleotide variant.
Coding change: c.659G>A on transcript NM_024334.3 (MANE Select); coding-DNA position 659, G replaced by A.
Protein change: p.Arg220His; replaces arginine 220 with histidine.
Molecular consequence: missense variant.
Genome position (GRCh38, 1-based): chr3:14,134,845, G>A. VCF-style: chr3-14134845-G-A. GRCh37 (hg19) VCF-style: chr3-14176345-G-A.
Other names: p.R220H:CGC>CAC; short protein forms R220H.
Identifiers: ClinVar variation 202117 (VCV000202117.24), dbSNP rs570836197, ClinGen allele CA024736.